The following is an entry in ClinVar:

ClinVar aggregate classification (germline): Uncertain significance (1 of 4 stars; one submission).

Conditions:
Leber congenital amaurosis 8 (LCA8). Identifiers: Orphanet 65, MedGen C3151202, MONDO:0013453, OMIM 613835.
Retinitis pigmentosa 12 (RP12). Also called: RP WITH OR WITHOUT PRESERVED PARAARTERIOLE RETINAL PIGMENT EPITHELIUM; RETINITIS PIGMENTOSA WITH OR WITHOUT PARAARTERIOLAR PRESERVATION OF RETINAL PIGMENT EPITHELIUM; RP WITH OR WITHOUT PPRPE. Identifiers: Orphanet 791, MedGen C1838647, MONDO:0010818, OMIM 600105.

Submission:

Labcorp Genetics (formerly Invitae), Labcorp
Classification: Uncertain significance for Leber congenital amaurosis 8; Retinitis pigmentosa 12. Last evaluated: 2022-09-13. Review status: criteria provided, single submitter. Criteria: Invitae Variant Classification Sherloc (09022015). Collection method: clinical testing. Allele origin: germline.
Comment: This sequence change replaces proline, which is neutral and non-polar, with leucine, which is neutral and non-polar, at codon 156 of the CRB1 protein (p.Pro156Leu). This variant is not present in population databases (gnomAD no frequency). This variant has not been reported in the literature in individuals affected with CRB1-related conditions. ClinVar contains an entry for this variant (Variation ID: 1387727). Algorithms developed to predict the effect of missense changes on protein structure and function output the following: SIFT: "Deleterious"; PolyPhen-2: "Benign"; Align-GVGD: "Class C15". The leucine amino acid residue is found in multiple mammalian species, which suggests that this missense change does not adversely affect protein function. In summary, the available evidence is currently insufficient to determine the role of this variant in disease. Therefore, it has been classified as a Variant of Uncertain Significance.

NM_201253.3(CRB1):c.467C>T (p.Pro156Leu)

Gene: CRB1 (crumbs cell polarity complex component 1; plus strand). Cytogenetic location: 1q31.3.
Variant type: single nucleotide variant.
Coding change: c.467C>T on transcript NM_201253.3 (MANE Select); coding-DNA position 467, C replaced by T.
Protein change: p.Pro156Leu; replaces proline 156 with leucine.
Molecular consequence: missense variant. On other transcripts: non-coding transcript variant (2).
Genome position (GRCh38, 1-based): chr1:197,328,818, C>T. VCF-style: chr1-197328818-C-T. GRCh37 (hg19) VCF-style: chr1-197297948-C-T.
Other names: c.467C>T, p.Pro156Leu (NM_001193640.2, NM_001257966.2); c.260C>T, p.Pro87Leu (NM_001257965.2); short protein forms P156L, P87L.
Identifiers: ClinVar variation 1387727 (VCV001387727.6), dbSNP rs1420941782, ClinGen allele CA344085842.